The following is an entry in ClinVar:

ClinVar aggregate classification (germline): Likely pathogenic (1 of 4 stars; one submission).

Conditions:
ITGB4-related disorder. Also called: ITGB4-related condition.

Submission:

PreventionGenetics, part of Exact Sciences
Classification: Likely pathogenic for ITGB4-related condition. Last evaluated: 2022-12-10. Review status: criteria provided, single submitter. Criteria: ACMG Guidelines, 2015. Collection method: clinical testing. Allele origin: germline.
Comment: The ITGB4 c.4305delC variant is predicted to result in a frameshift and premature protein termination (p.Gly1439Glufs*5). To our knowledge, this variant has not been reported in the literature or in a large population database, indicating this variant is rare. Frameshift variants in ITGB4 are expected to be pathogenic (HGMD, Human Gene Mutation Database; Varki and Pfendner. 2006. PubMed ID: 16473856). This variant is interpreted as likely pathogenic.

NM_000213.5(ITGB4):c.4305del (p.Gly1439fs)

Genes: GALK1 (galactokinase 1; minus strand), ITGB4 (integrin subunit beta 4; plus strand). Cytogenetic location: 17q25.1.
Variant type: Deletion.
Coding change: c.4305del on transcript NM_000213.5 (MANE Select); coding-DNA position 4305, one base deleted (C; older notation c.4305delC).
Protein change: p.Gly1439fs; shifts the reading frame from glycine 1439.
Molecular consequence: frameshift variant. On other transcripts: intron variant (5).
Genome position (GRCh38, 1-based): chr17:75,753,961, C deleted; the last of 3 consecutive C bases (chr17:75,753,959-75,753,961); deleting any one gives the same sequence. VCF-style (leftmost placement, unchanged base first): chr17-75753958-AC-A. GRCh37 (hg19) VCF-style: chr17-73750039-AC-A.
Other names: c.4109-615del (NM_001005619.2, NM_001005731.3, NM_001438834.1 and 1 more transcripts); c.*23-2222del (NM_001381985.1); short protein forms G1439fs.
Identifiers: ClinVar variation 2635760 (VCV002635760.1), dbSNP rs2061428442, ClinGen allele CA2275666290.
Genomic context (GRCh38, chr17:75,753,958, plus strand): 5'-CGGGCCCCCGGACGACGGCGGCGCGGGCGGGAAGGGCGGCAGCCTGCCCCGCAGTGCGAC[AC>A]CCGGGCCCCCCGGAGGTGACAGGCTCACCCGCCGCCCCCCGATCCGCGCCCACCCAGCCT-3'